The following is an entry in ClinVar:

ClinVar aggregate classification (germline): Uncertain significance (1 of 4 stars; one submission).

Conditions:
Hereditary cancer-predisposing syndrome. Also called: Tumor predisposition; Hereditary neoplastic syndrome; Hereditary Cancer Syndrome; Neoplastic Syndromes, Hereditary. Identifiers: Orphanet 140162, MedGen C0027672, MeSH D009386, MONDO:0015356.

Submission:

Ambry Genetics
Classification: Uncertain significance for Hereditary cancer-predisposing syndrome. Last evaluated: 2024-02-24. Review status: criteria provided, single submitter. Criteria: Ambry Variant Classification Scheme 2023. Collection method: clinical testing. Allele origin: germline.
Comment: The p.A53G variant (also known as c.158C>G), located in coding exon 2 of the EPCAM gene, results from a C to G substitution at nucleotide position 158. The alanine at codon 53 is replaced by glycine, an amino acid with similar properties. This amino acid position is conserved. In addition, this alteration is predicted to be tolerated by in silico analysis. Based on the available evidence, the clinical significance of this alteration remains unclear.

NM_002354.3(EPCAM):c.158C>G (p.Ala53Gly)

Gene: EPCAM (epithelial cell adhesion molecule; plus strand). Cytogenetic location: 2p21.
Variant type: single nucleotide variant.
Coding change: c.158C>G on transcript NM_002354.3 (MANE Select); coding-DNA position 158, C replaced by G.
Protein change: p.Ala53Gly; replaces alanine 53 with glycine.
Molecular consequence: missense variant.
Genome position (GRCh38, 1-based): chr2:47,373,544, C>G. VCF-style: chr2-47373544-C-G. GRCh37 (hg19) VCF-style: chr2-47600683-C-G.
Other names: short protein forms A53G.
Identifiers: ClinVar variation 3222084 (VCV003222084.1), dbSNP rs1671339183, ClinGen allele CA346722618.